The following is an entry in ClinVar:

NC_000010.10:g.(?_69881196)_(69970212_?)dup

Gene: MYPN (myopalladin; plus strand). Cytogenetic location: 10q21.3.
Variant type: Duplication.
Identifiers: ClinVar variation 1430676 (VCV001430676.1).

ClinVar aggregate classification (germline): Uncertain significance (1 of 4 stars; one submission).

Conditions:
Dilated cardiomyopathy 1KK (CMD1KK). Identifiers: Orphanet 154, Orphanet 75249, MedGen C3714995, MONDO:0014100, OMIM 615248.

Submission:

Labcorp Genetics (formerly Invitae), Labcorp
Classification: Uncertain significance for Dilated cardiomyopathy 1KK. Last evaluated: 2021-03-23. Review status: criteria provided, single submitter. Criteria: Invitae Variant Classification Sherloc (09022015). Collection method: clinical testing. Allele origin: germline.
Comment: A copy number gain of the genomic region encompassing the full coding sequence of the MYPN gene has been identified. The boundaries of this event are unknown as they extend beyond the assayed region for this gene and therefore may encompass additional genes. As the precise location of this event is unknown, it may be in tandem or it may be located elsewhere in the genome. This variant has not been reported in the literature in individuals with MYPN-related conditions. In summary, the available evidence is currently insufficient to determine the role of this variant in disease. Therefore, it has been classified as a Variant of Uncertain Significance.